The following is an entry in ClinVar:

NM_000274.4(OAT):c.845A>G (p.Asn282Ser)

Gene: OAT (ornithine aminotransferase; minus strand). Cytogenetic location: 10q26.13.
Variant type: single nucleotide variant.
Coding change: c.845A>G on transcript NM_000274.4 (MANE Select); coding-DNA position 845, A replaced by G.
Protein change: p.Asn282Ser; replaces asparagine 282 with serine.
Molecular consequence: missense variant.
Genome position (GRCh38, 1-based): chr10:124,402,982, T>C on the plus strand (A>G on the coding strand, the complement: OAT is on the minus strand). VCF-style: chr10-124402982-T-C. GRCh37 (hg19) VCF-style: chr10-126091551-T-C.
Other names: c.431A>G, p.Asn144Ser (NM_001171814.2); c.845A>G, p.Asn282Ser (NM_001322965.2, NM_001322966.2, NM_001322967.2 and 3 more transcripts); c.524A>G, p.Asn175Ser (NM_001322971.2); c.245A>G, p.Asn82Ser (NM_001322974.2); short protein forms N175S, N144S, N282S, N82S.
Identifiers: ClinVar variation 1401960 (VCV001401960.4), dbSNP rs956427344, ClinGen allele CA215247510.

ClinVar aggregate classification (germline): Uncertain significance. Review status: criteria provided, multiple submitters, no conflicts (2 of 4 stars). 2 submissions from 2 submitters: Uncertain significance (2). Last evaluated 2024-02-29.

Conditions:
Ornithine aminotransferase deficiency (GACR). Also called: HYPERORNITHINEMIA WITH GYRATE ATROPHY OF CHOROID AND RETINA; OAT DEFICIENCY; OKT DEFICIENCY; Ornithine ketoacid aminotransferase deficiency; Gyrate atrophy; Gyrate atrophy of choroid and retina. Identifiers: Orphanet 414, MedGen C0018425, MONDO:0009796, OMIM 258870.

Allele frequency attached by ClinVar (database versions not stated): gnomAD 0.00001; gnomAD exomes 0.00001; TOPMed 0.00003.
gnomAD v4.1: 18 of 1,614,046 alleles (0.0011%); highest among the groups gnomAD compares: Non-Finnish European, 0.0014%; no homozygotes.

Submissions (2):

Blueprint Genetics
Classification: Uncertain significance. Last evaluated: 2024-02-29. Review status: criteria provided, single submitter. Criteria: ACMG Guidelines, 2015. Collection method: clinical testing. Allele origin: germline.

Labcorp Genetics (formerly Invitae), Labcorp
Classification: Uncertain significance for Ornithine aminotransferase deficiency. Last evaluated: 2021-07-26. Review status: criteria provided, single submitter. Criteria: Invitae Variant Classification Sherloc (09022015). Collection method: clinical testing. Allele origin: germline.
Comment: This sequence change replaces asparagine with serine at codon 282 of the OAT protein (p.Asn282Ser). The asparagine residue is moderately conserved and there is a small physicochemical difference between asparagine and serine. This variant is not present in population databases (ExAC no frequency). This variant has not been reported in the literature in individuals affected with OAT-related conditions. Algorithms developed to predict the effect of missense changes on protein structure and function (SIFT, PolyPhen-2, Align-GVGD) all suggest that this variant is likely to be tolerated. Algorithms developed to predict the effect of sequence changes on RNA splicing suggest that this variant may create or strengthen a splice site. In summary, the available evidence is currently insufficient to determine the role of this variant in disease. Therefore, it has been classified as a Variant of Uncertain Significance.